The following is an entry in ClinVar:

NM_000478.6(ALPL):c.180T>G (p.Asp60Glu)

Gene: ALPL (alkaline phosphatase, biomineralization associated; plus strand). Cytogenetic location: 1p36.12.
Variant type: single nucleotide variant.
Coding change: c.180T>G on transcript NM_000478.6 (MANE Select); coding-DNA position 180, T replaced by G.
Protein change: p.Asp60Glu; replaces aspartic acid 60 with glutamic acid.
Molecular consequence: missense variant.
Genome position (GRCh38, 1-based): chr1:21,560,744, T>G. VCF-style: chr1-21560744-T-G. GRCh37 (hg19) VCF-style: chr1-21887237-T-G.
Other names: c.15T>G, p.Asp5Glu (NM_001127501.4); c.65T>G, p.Met22Arg (NM_001177520.3); c.180T>G, p.Asp60Glu (NM_001369803.2, NM_001369804.2, NM_001369805.2); short protein forms D5E, D60E, M22R.
Identifiers: ClinVar variation 4086870 (VCV004086870.2).
Genomic context (GRCh38, chr1:21,560,744, plus strand): 5'-CCTGGAGCTTCAGAAGCTCAACACCAACGTGGCTAAGAATGTCATCATGTTCCTGGGAGA[T>G]GGTGAGGCCCAGGGGCCTGTGGGAGGGGTGGAACAGGACACCTAGCTAGGAGCCCCGGGA-3'
Protein context (NP_000469.3, residues 50-70): VAKNVIMFLG[Asp60Glu]GMGVSTVTAA

ClinVar aggregate classification (germline): Likely pathogenic (1 of 4 stars; one submission).

Conditions:
Hypophosphatasia. Also called: Phosphoethanol-aminuria. Identifiers: Orphanet 436, MedGen C0020630, MeSH D007014, MONDO:0018570.

Submission:

Genomenon, Inc
Classification: Likely pathogenic for Hypophosphatasia. Last evaluated: 2026-09-01. Review status: criteria provided, single submitter. Criteria: Genomenon Sequence Variant Interpretation Standards - Updated. Collection method: curation. Allele origin: germline. Affected: yes.
Comment: ALPL p.Asp60Glu (c.180T>G) is a missense variant that changes the amino acid at codon 60 from Aspartic acid to Glutamic acid. This variant has been observed in at least one proband affected with an ALPL-related disorder (PMID:19335222). This variant is located in a mutational hotspot and/or important functional domain. It is absent or not present at a significant frequency in gnomAD. In conclusion, we classify ALPL p.Asp60Glu (c.180T>G) as a likely pathogenic variant.

Literature cited by the submitters: PubMed 19335222.